The following is an entry in ClinVar:

ClinVar aggregate classification (germline): Uncertain significance. Review status: criteria provided, multiple submitters, no conflicts (2 of 4 stars). 2 submissions from 2 submitters: Uncertain significance (2). Last evaluated 2024-10-30.

Allele frequency attached by ClinVar (database versions not stated): ExAC 0.00002; gnomAD exomes 0.00002 and 0.00004; TOPMed 0.00005; gnomAD 0.00007; ESP Exome Variant Server 0.00008.
gnomAD v4.1: 63 of 1,614,114 alleles (0.0039%); highest among the groups gnomAD compares: Non-Finnish European, 0.0051%; no homozygotes.

Submissions (2):

Blueprint Genetics
Classification: Uncertain significance. Last evaluated: 2024-10-30. Review status: criteria provided, single submitter. Criteria: ACMG Guidelines, 2015. Collection method: clinical testing. Allele origin: germline.

Labcorp Genetics (formerly Invitae), Labcorp
Classification: Uncertain significance. Last evaluated: 2022-08-16. Review status: criteria provided, single submitter. Criteria: Invitae Variant Classification Sherloc (09022015). Collection method: clinical testing. Allele origin: germline.
Comment: In summary, the available evidence is currently insufficient to determine the role of this variant in disease. Therefore, it has been classified as a Variant of Uncertain Significance. Algorithms developed to predict the effect of missense changes on protein structure and function (SIFT, PolyPhen-2, Align-GVGD) all suggest that this variant is likely to be disruptive. ClinVar contains an entry for this variant (Variation ID: 1401719). This variant has not been reported in the literature in individuals affected with TRPM1-related conditions. This variant is present in population databases (rs371899854, gnomAD 0.006%). This sequence change replaces phenylalanine, which is neutral and non-polar, with valine, which is neutral and non-polar, at codon 291 of the TRPM1 protein (p.Phe291Val).

NM_001252024.2(TRPM1):c.937T>G (p.Phe313Val)

Gene: TRPM1 (transient receptor potential cation channel subfamily M member 1; minus strand). Cytogenetic location: 15q13.3.
Variant type: single nucleotide variant.
Coding change: c.937T>G on transcript NM_001252024.2 (MANE Select); coding-DNA position 937, T replaced by G.
Protein change: p.Phe313Val; replaces phenylalanine 313 with valine.
Molecular consequence: missense variant.
Genome position (GRCh38, 1-based): chr15:31,063,146, A>C on the plus strand (T>G on the coding strand, the complement: TRPM1 is on the minus strand). VCF-style: chr15-31063146-A-C. GRCh37 (hg19) VCF-style: chr15-31355349-A-C.
Other names: c.988T>G, p.Phe330Val (NM_001252020.2); c.871T>G, p.Phe291Val (NM_002420.6); short protein forms F313V, F291V, F330V.
Identifiers: ClinVar variation 1401719 (VCV001401719.7), dbSNP rs371899854, ClinGen allele CA7452766.